The following is an entry in ClinVar:

NM_001482.3(GATM):c.581G>A (p.Arg194Gln)

Gene: GATM (glycine amidinotransferase; minus strand). Cytogenetic location: 15q21.1.
Variant type: single nucleotide variant.
Coding change: c.581G>A on transcript NM_001482.3 (MANE Select); coding-DNA position 581, G replaced by A.
Protein change: p.Arg194Gln; replaces arginine 194 with glutamine.
Molecular consequence: missense variant.
Genome position (GRCh38, 1-based): chr15:45,368,164, C>T on the plus strand (G>A on the coding strand, the complement: GATM is on the minus strand). VCF-style: chr15-45368164-C-T. GRCh37 (hg19) VCF-style: chr15-45660362-C-T.
Other names: c.194G>A, p.Arg65Gln (NM_001321015.2); short protein forms R194Q, R65Q.
Identifiers: ClinVar variation 536983 (VCV000536983.10), dbSNP rs774017569, ClinGen allele CA7542896.

ClinVar aggregate classification (germline): Uncertain significance. Review status: criteria provided, multiple submitters, no conflicts (2 of 4 stars). 2 submissions from 2 submitters: Uncertain significance (2). Last evaluated 2025-10-21.

Conditions:
Arginine:glycine amidinotransferase deficiency (CCDS3). Also called: L-Arginine:Glycine Amidinotransferase Deficiency; AGAT deficiency; Creatine deficiency syndrome due to AGAT deficiency; GATM deficiency; L-Arginine:Glycine Amidinotransferase (AGAT) Deficiency; Cerebral creatine deficiency syndrome 3. Identifiers: Orphanet 35704, MedGen C2675179, MONDO:0012996, OMIM 612718.

Allele frequency attached by ClinVar (database versions not stated): ExAC 0.00001; gnomAD exomes 0.00001; TOPMed 0.00001.
gnomAD v4.1: 7 of 1,613,996 alleles (0.00043%); highest among the groups gnomAD compares: Admixed American, 0.0017%; no homozygotes.

Submissions (2):

Labcorp Genetics (formerly Invitae), Labcorp
Classification: Uncertain significance for Arginine:glycine amidinotransferase deficiency. Last evaluated: 2025-10-21. Review status: criteria provided, single submitter. Criteria: Invitae Variant Classification Sherloc (09022015). Collection method: clinical testing. Allele origin: germline.
Comment: This sequence change replaces arginine, which is basic and polar, with glutamine, which is neutral and polar, at codon 194 of the GATM protein (p.Arg194Gln). This variant is present in population databases (rs774017569, gnomAD 0.003%). This variant has not been reported in the literature in individuals affected with GATM-related conditions. ClinVar contains an entry for this variant (Variation ID: 536983). Invitae Evidence Modeling of protein sequence and biophysical properties (such as structural, functional, and spatial information, amino acid conservation, physicochemical variation, residue mobility, and thermodynamic stability) has been performed for this missense variant. However, the output from this modeling did not meet the statistical confidence thresholds required to predict the impact of this variant on GATM protein function. In summary, the available evidence is currently insufficient to determine the role of this variant in disease. Therefore, it has been classified as a Variant of Uncertain Significance.

Revvity Omics, Revvity
Classification: Uncertain significance. Last evaluated: 2025-01-21. Review status: criteria provided, single submitter. Criteria: ACMG Guidelines, 2015. Collection method: clinical testing. Allele origin: germline.